The following is an entry in ClinVar:

ClinVar aggregate classification (germline): Uncertain significance. Review status: criteria provided, multiple submitters, no conflicts (2 of 4 stars). 2 submissions from 2 submitters: Uncertain significance (2). Last evaluated 2025-02-19.

Allele frequency attached by ClinVar (database versions not stated): gnomAD exomes 0.00002; TOPMed 0.00004; ESP Exome Variant Server 0.00008; gnomAD 0.00003; ExAC 0.00003.
gnomAD v4.1: 32 of 1,612,700 alleles (0.002%); highest among the groups gnomAD compares: Middle Eastern, 0.016%; no homozygotes.

Submissions (2):

Labcorp Genetics (formerly Invitae), Labcorp
Classification: Uncertain significance. Last evaluated: 2025-02-19. Review status: criteria provided, single submitter. Criteria: Invitae Variant Classification Sherloc (09022015). Collection method: clinical testing. Allele origin: germline.
Comment: This sequence change replaces serine, which is neutral and polar, with glycine, which is neutral and non-polar, at codon 167 of the POLR3F protein (p.Ser167Gly). This variant is present in population databases (rs375033164, gnomAD 0.003%). This variant has not been reported in the literature in individuals affected with POLR3F-related conditions. ClinVar contains an entry for this variant (Variation ID: 2368937). Experimental studies and prediction algorithms are not available or were not evaluated, and the functional significance of this variant is currently unknown. In summary, the available evidence is currently insufficient to determine the role of this variant in disease. Therefore, it has been classified as a Variant of Uncertain Significance.

Ambry Genetics
Classification: Uncertain significance. Last evaluated: 2021-07-14. Review status: criteria provided, single submitter. Criteria: Ambry Variant Classification Scheme 2023. Collection method: clinical testing. Allele origin: germline.

NM_006466.4(POLR3F):c.622A>G (p.Ser208Gly)

Gene: POLR3F (RNA polymerase III subunit F; plus strand). Cytogenetic location: 20p11.23.
Variant type: single nucleotide variant.
Coding change: c.622A>G on transcript NM_006466.4 (MANE Select); coding-DNA position 622, A replaced by G.
Protein change: p.Ser208Gly; replaces serine 208 with glycine.
Molecular consequence: missense variant. On other transcripts: non-coding transcript variant (1).
Genome position (GRCh38, 1-based): chr20:18,480,450, A>G. VCF-style: chr20-18480450-A-G. GRCh37 (hg19) VCF-style: chr20-18461094-A-G.
Other names: c.499A>G, p.Ser167Gly (NM_001282526.2); c.478A>G, p.Ser160Gly (NM_001410821.1); short protein forms S167G, S160G, S208G.
Identifiers: ClinVar variation 2368937 (VCV002368937.5), dbSNP rs375033164, ClinGen allele CA9777570.